The following is an entry in ClinVar:

ClinVar aggregate classification (germline): Uncertain significance. Review status: criteria provided, multiple submitters, no conflicts (2 of 4 stars). 2 submissions from 2 submitters: Uncertain significance (2). Last evaluated 2025-02-15.

Conditions:
Charcot-Marie-Tooth disease type 2. Also called: Charcot-Marie-Tooth type 2. Identifiers: Orphanet 64746, MedGen C0270914, MONDO:0018993.

Allele frequency attached by ClinVar (database versions not stated): TOPMed below 0.00001; gnomAD 0.00001.
gnomAD v4.1: 1 of 1,613,742 alleles (0.000062%); highest among the groups gnomAD compares: Admixed American, 0.0017%; no homozygotes.

Submissions (2):

Ambry Genetics
Classification: Uncertain significance. Last evaluated: 2025-02-15. Review status: criteria provided, single submitter. Criteria: Ambry Variant Classification Scheme 2023. Collection method: clinical testing. Allele origin: germline.
Comment: The p.T1588A variant (also known as c.4762A>G), located in coding exon 42 of the KIF1B gene, results from an A to G substitution at nucleotide position 4762. The threonine at codon 1588 is replaced by alanine, an amino acid with similar properties. This amino acid position is conserved. In addition, this alteration is predicted to be tolerated by in silico analysis. Based on the available evidence, the clinical significance of this variant remains unclear.

Labcorp Genetics (formerly Invitae), Labcorp
Classification: Uncertain significance for Charcot-Marie-Tooth disease type 2. Last evaluated: 2023-10-07. Review status: criteria provided, single submitter. Criteria: Invitae Variant Classification Sherloc (09022015). Collection method: clinical testing. Allele origin: germline.
Comment: This sequence change replaces threonine, which is neutral and polar, with alanine, which is neutral and non-polar, at codon 1588 of the KIF1B protein (p.Thr1588Ala). This variant is not present in population databases (gnomAD no frequency). This variant has not been reported in the literature in individuals affected with KIF1B-related conditions. ClinVar contains an entry for this variant (Variation ID: 1912395). An algorithm developed to predict the effect of missense changes on protein structure and function (PolyPhen-2) suggests that this variant is likely to be disruptive. In summary, the available evidence is currently insufficient to determine the role of this variant in disease. Therefore, it has been classified as a Variant of Uncertain Significance.

NM_001365951.3(KIF1B):c.4900A>G (p.Thr1634Ala)

Gene: KIF1B (kinesin family member 1B; plus strand). Cytogenetic location: 1p36.22.
Variant type: single nucleotide variant.
Coding change: c.4900A>G on transcript NM_001365951.3 (MANE Select); coding-DNA position 4900, A replaced by G.
Protein change: p.Thr1634Ala; replaces threonine 1634 with alanine.
Molecular consequence: missense variant.
Genome position (GRCh38, 1-based): chr1:10,371,216, A>G. VCF-style: chr1-10371216-A-G. GRCh37 (hg19) VCF-style: chr1-10431274-A-G.
Other names: c.4900A>G, p.Thr1634Ala (NM_001365952.1); c.4762A>G, p.Thr1588Ala (NM_015074.3); short protein forms T1634A, T1588A.
Identifiers: ClinVar variation 1912395 (VCV001912395.6), dbSNP rs1366322578, ClinGen allele CA338327662.